The following is an entry in ClinVar:

NM_024928.5(STN1):c.332C>T (p.Ser111Leu)

Gene: STN1 (STN1 subunit of CST complex; minus strand). Cytogenetic location: 10q24.33.
Variant type: single nucleotide variant.
Coding change: c.332C>T on transcript NM_024928.5 (MANE Select); coding-DNA position 332, C replaced by T.
Protein change: p.Ser111Leu; replaces serine 111 with leucine.
Molecular consequence: missense variant.
Genome position (GRCh38, 1-based): chr10:103,900,187, G>A on the plus strand (C>T on the coding strand, the complement: STN1 is on the minus strand). VCF-style: chr10-103900187-G-A. GRCh37 (hg19) VCF-style: chr10-105659945-G-A.
Other names: c.332C>T (NM_024928.4); short protein forms S111L.
Identifiers: ClinVar variation 3694868 (VCV003694868.3).

ClinVar aggregate classification (germline): Uncertain significance. Review status: criteria provided, multiple submitters, no conflicts (2 of 4 stars). 2 submissions from 2 submitters: Uncertain significance (2). Last evaluated 2025-11-19.

Conditions:
Inborn genetic diseases. Identifiers: MedGen C0950123, MeSH D030342.

gnomAD v4.1: 3 of 1,614,024 alleles (0.00019%); highest among the groups gnomAD compares: East Asian, 0.0067%; no homozygotes.

Submissions (2):

Ambry Genetics
Classification: Uncertain significance for Inborn genetic diseases. Last evaluated: 2025-11-19. Review status: criteria provided, single submitter. Criteria: Ambry Variant Classification Scheme 2023. Collection method: clinical testing. Allele origin: germline.

Labcorp Genetics (formerly Invitae), Labcorp
Classification: Uncertain significance. Last evaluated: 2024-03-30. Review status: criteria provided, single submitter. Criteria: Invitae Variant Classification Sherloc (09022015). Collection method: clinical testing. Allele origin: germline.
Comment: This sequence change replaces serine, which is neutral and polar, with leucine, which is neutral and non-polar, at codon 111 of the STN1 protein (p.Ser111Leu). This variant is present in population databases (rs750499540, gnomAD 0.03%). This variant has not been reported in the literature in individuals affected with STN1-related conditions. Advanced modeling of protein sequence and biophysical properties (such as structural, functional, and spatial information, amino acid conservation, physicochemical variation, residue mobility, and thermodynamic stability) performed at Invitae indicates that this missense variant is expected to disrupt STN1 protein function with a positive predictive value of 80%. In summary, the available evidence is currently insufficient to determine the role of this variant in disease. Therefore, it has been classified as a Variant of Uncertain Significance.